The following is an entry in ClinVar:

NM_001371596.2(MFSD8):c.1229dup (p.Tyr410Ter)

Gene: MFSD8 (major facilitator superfamily domain containing 8; minus strand). Cytogenetic location: 4q28.2.
Variant type: Duplication.
Coding change: c.1229dup on transcript NM_001371596.2 (MANE Select); coding-DNA position 1229, one base duplicated (A; older notation c.1229dupA).
Protein change: p.Tyr410Ter; replaces tyrosine 410 with a stop codon.
Molecular consequence: nonsense. On other transcripts: frameshift variant (8).
Genome position (GRCh38, 1-based): chr4:127,921,645, T duplicated on the plus strand (A on the coding strand, the reverse complement: MFSD8 is on the minus strand). VCF-style (leftmost placement, unchanged base first): chr4-127921644-G-GT. GRCh37 (hg19) VCF-style: chr4-128842799-G-GT.
Other names: c.1028dup, p.Tyr343Terfs (NM_001363520.3); c.914dup, p.Tyr305Terfs (NM_001363521.3); c.1094dup, p.Tyr365Terfs (NM_001371590.2); c.1229dup, p.Tyr410Terfs (NM_001371591.2); c.1235dup, p.Tyr412Terfs (NM_001371592.2); c.1115dup, p.Tyr372Terfs (NM_001371593.2); c.1082dup, p.Tyr361Terfs (NM_001371594.2); c.947dup, p.Tyr316Ter (NM_001371595.1); and 3 more; short protein forms Y305*, Y343*, Y372*, Y361*, Y410*, Y316*, Y365*, Y412*.
Identifiers: ClinVar variation 1456161 (VCV001456161.8), dbSNP rs2148839909, ClinGen allele CA2573138005.

ClinVar aggregate classification (germline): Pathogenic (1 of 4 stars; one submission).

Conditions:
Neuronal ceroid lipofuscinosis 7 (CLN7). Also called: MFSD8-Related Neuronal Ceroid-Lipofuscinosis. Identifiers: Orphanet 168491, Orphanet 228366, MedGen C1838571, MONDO:0012588, OMIM 610951.

Submission:

Labcorp Genetics (formerly Invitae), Labcorp
Classification: Pathogenic for Neuronal ceroid lipofuscinosis 7. Last evaluated: 2021-10-21. Review status: criteria provided, single submitter. Criteria: Invitae Variant Classification Sherloc (09022015). Collection method: clinical testing. Allele origin: germline.
Comment: This sequence change creates a premature translational stop signal (p.Tyr410*) in the MFSD8 gene. It is expected to result in an absent or disrupted protein product. Loss-of-function variants in MFSD8 are known to be pathogenic (PMID: 19177532, 25227500, 28586915). This variant is not present in population databases (gnomAD no frequency). This variant has not been reported in the literature in individuals affected with MFSD8-related conditions. For these reasons, this variant has been classified as Pathogenic.

Literature cited by the submitters: PubMed 19177532; PubMed 25227500; PubMed 28586915.